The following is an entry in ClinVar:

ClinVar aggregate classification (germline): Uncertain significance. Review status: criteria provided, multiple submitters, no conflicts (2 of 4 stars). 2 submissions from 2 submitters: Uncertain significance (2). Last evaluated 2024-01-29.

Conditions:
Schizophrenia 4 (SCZD4). Also called: SCHIZOPHRENIA SUSCEPTIBILITY LOCUS, CHROMOSOME 22q11-RELATED; SCHIZOPHRENIA, SUSCEPTIBILITY TO, 4. Identifiers: MedGen C1833247, MONDO:0010943, OMIM 600850.

Submissions (2):

Johns Hopkins Genomics, Johns Hopkins University
Classification: Uncertain significance for Schizophrenia 4. Last evaluated: 2024-01-29. Review status: criteria provided, single submitter. Criteria: ACMG Guidelines, 2015. Collection method: clinical testing. Allele origin: germline.
Comment: This PRODH variant (rs751652117) is rare (<0.1%) in a large population dataset (gnomADv2.1.1: 11/277486 total alleles; 0.004%; no homozygote) and has not been reported in ClinVar nor the literature, to our knowledge. Two bioinformatic tools queried predict that this substitution (p.Val375Met) would be damaging, and the valine residue at this position is strongly conserved across the vertebrate species assessed. This missense variant is not predicted to affect normal exon 10 splicing, although this has not been confirmed experimentally to our knowledge. Due to insufficient evidence that this variant confers an increased risk for schizophrenia, we consider the clinical significance of c.1123G>A to be uncertain at this time

Blueprint Genetics
Classification: Uncertain significance. Last evaluated: 2023-12-18. Review status: criteria provided, single submitter. Criteria: ACMG Guidelines, 2015. Collection method: clinical testing. Allele origin: germline.

Literature cited by the submitters: PubMed 12217952 (cited by Johns Hopkins Genomics, Johns Hopkins University); PubMed 15274030 (cited by Johns Hopkins Genomics, Johns Hopkins University); PubMed 15662599 (cited by Johns Hopkins Genomics, Johns Hopkins University); PubMed 17412540 (cited by Johns Hopkins Genomics, Johns Hopkins University); PubMed 8678112 (cited by Johns Hopkins Genomics, Johns Hopkins University).

NM_016335.6(PRODH):c.1123G>A (p.Val375Met)

Gene: PRODH (proline dehydrogenase 1; minus strand). Cytogenetic location: 22q11.21.
Variant type: single nucleotide variant.
Coding change: c.1123G>A on transcript NM_016335.6 (MANE Select); coding-DNA position 1123, G replaced by A.
Protein change: p.Val375Met; replaces valine 375 with methionine.
Molecular consequence: missense variant.
Genome position (GRCh38, 1-based): chr22:18,919,579, C>T on the plus strand (G>A on the coding strand, the complement: PRODH is on the minus strand). VCF-style: chr22-18919579-C-T. GRCh37 (hg19) VCF-style: chr22-18907092-C-T.
Other names: c.799G>A, p.Val267Met (NM_001195226.2, NM_001368250.2); short protein forms V267M, V375M.
Identifiers: ClinVar variation 4280033 (VCV004280033.2).
Genomic context (GRCh38, chr22:18,919,579, plus strand): 5'-GCGTCAGGCGGCTGATGGCCGGCTGGAAGTAGGTCTGCTCGGCATCCACCATCAGCCGCA[C>T]GCCCATCTCTGTGGCTTTCTGAGAGGCGCAGGGGGTGGGAGAGTGGGAGCAACTGTTGCT-3'
Protein context (NP_057419.5, residues 365-385): VLAKKATEMG[Val375Met]RLMVDAEQTY